The following is an entry in ClinVar:

ClinVar aggregate classification (germline): Likely benign (0 of 4 stars; one submission).

Conditions:
PPRC1-related disorder. Also called: PPRC1-related condition.

gnomAD v4.1: 1 of 1,243,090 alleles (0.00008%); highest among the groups gnomAD compares: Non-Finnish European, 0.0001%; no homozygotes.

Submission:

PreventionGenetics, part of Exact Sciences
Classification: Likely benign for PPRC1-related condition. Last evaluated: 2019-07-01. Review status: no assertion criteria provided. Collection method: clinical testing. Allele origin: germline.
Comment: This variant is classified as likely benign based on ACMG/AMP sequence variant interpretation guidelines (Richards et al. 2015 PMID: 25741868, with internal and published modifications).

NM_015062.5(PPRC1):c.19C>A (p.Arg7=)

Genes: PPRC1 (PPARG related coactivator 1; plus strand), LOC130004585 (ATAC-STARR-seq lymphoblastoid active region 3922; plus strand). Cytogenetic location: 10q24.32.
Variant type: single nucleotide variant.
Coding change: c.19C>A on transcript NM_015062.5 (MANE Select); coding-DNA position 19, C replaced by A.
Protein change: p.Arg7=; no amino-acid change (arginine 7 retained).
Molecular consequence: synonymous variant. On other transcripts: 5 prime UTR variant (1).
Genome position (GRCh38, 1-based): chr10:102,133,087, C>A. VCF-style: chr10-102133087-C-A. GRCh37 (hg19) VCF-style: chr10-103892844-C-A.
Other names: c.19C>A, p.Arg7= (NM_001288727.2); c.-241C>A (NM_001288728.2).
Identifiers: ClinVar variation 3043437 (VCV003043437.2), dbSNP rs755301315, ClinGen allele CA470996694.